The following is an entry in ClinVar:

NM_006258.4(PRKG1):c.127C>G (p.Gln43Glu)

Gene: PRKG1 (protein kinase cGMP-dependent 1; plus strand). Cytogenetic location: 10q11.23.
Variant type: single nucleotide variant.
Coding change: c.127C>G on transcript NM_006258.4 (MANE Select); coding-DNA position 127, C replaced by G.
Protein change: p.Gln43Glu; replaces glutamine 43 with glutamic acid.
Molecular consequence: missense variant. On other transcripts: intron variant (1).
Genome position (GRCh38, 1-based): chr10:51,074,717, C>G. VCF-style: chr10-51074717-C-G. GRCh37 (hg19) VCF-style: chr10-52834477-C-G.
Other names: c.127C>G, p.Gln43Glu (NM_001374782.1); c.267-78447C>G (NM_001098512.3); short protein forms Q43E.
Identifiers: ClinVar variation 1767498 (VCV001767498.2), dbSNP rs2493152113, ClinGen allele CA376826854.

ClinVar aggregate classification (germline): Uncertain significance (1 of 4 stars; one submission).

Conditions:
Familial thoracic aortic aneurysm and aortic dissection (TAAD). Also called: Thoracic aortic aneurysms and dissections. Identifiers: Orphanet 91387, MedGen C4707243, MONDO:0019625.

Submission:

Ambry Genetics
Classification: Uncertain significance for Familial thoracic aortic aneurysm and aortic dissection. Last evaluated: 2021-11-19. Review status: criteria provided, single submitter. Criteria: Ambry Variant Classification Scheme 2023. Collection method: clinical testing. Allele origin: germline.
Comment: The p.Q43E variant (also known as c.127C>G), located in coding exon 1 of the PRKG1 gene, results from a C to G substitution at nucleotide position 127. The glutamine at codon 43 is replaced by glutamic acid, an amino acid with highly similar properties. This amino acid position is conserved. In addition, this alteration is predicted to be tolerated by in silico analysis. Since supporting evidence is limited at this time, the clinical significance of this alteration remains unclear.